The following is an entry in ClinVar:

ClinVar aggregate classification (germline): Uncertain significance. Review status: criteria provided, multiple submitters, no conflicts (2 of 4 stars). 2 submissions from 2 submitters: Uncertain significance (2). Last evaluated 2025-08-08.

Conditions:
Fanconi anemia (FA). Also called: Fanconi's anemia. Identifiers: Orphanet 84, MedGen C0015625, MeSH D005199, MONDO:0019391.
Fanconi anemia complementation group B (FANCB). Also called: FANCB-Related Fanconi Anemia; FANCONI PANCYTOPENIA, TYPE 2. Identifiers: Orphanet 84, MedGen C1845292, MONDO:0010351, OMIM 300514.

gnomAD v4.1: 4 of 1,208,935 alleles (0.00033%); highest among the groups gnomAD compares: African/African-American, 0.0053%; no homozygotes.

Submissions (2):

Labcorp Genetics (formerly Invitae), Labcorp
Classification: Uncertain significance for Fanconi anemia. Last evaluated: 2025-08-08. Review status: criteria provided, single submitter. Criteria: Invitae Variant Classification Sherloc (09022015). Collection method: clinical testing. Allele origin: germline.
Comment: This sequence change replaces isoleucine, which is neutral and non-polar, with leucine, which is neutral and non-polar, at codon 777 of the FANCB protein (p.Ile777Leu). This variant is present in population databases (rs776505971, gnomAD 0.02%), including at least one homozygous and/or hemizygous individual. This variant has not been reported in the literature in individuals affected with FANCB-related conditions. ClinVar contains an entry for this variant (Variation ID: 3598116). Invitae Evidence Modeling of protein sequence and biophysical properties (such as structural, functional, and spatial information, amino acid conservation, physicochemical variation, residue mobility, and thermodynamic stability) indicates that this missense variant is not expected to disrupt FANCB protein function with a negative predictive value of 80%. Algorithms developed to predict the effect of sequence changes on RNA splicing suggest that this variant may create or strengthen a splice site. In summary, the available evidence is currently insufficient to determine the role of this variant in disease. Therefore, it has been classified as a Variant of Uncertain Significance.

Fulgent Genetics
Classification: Uncertain significance for Fanconi anemia complementation group B. Last evaluated: 2024-06-19. Review status: criteria provided, single submitter. Criteria: ACMG Guidelines, 2015. Collection method: clinical testing. Allele origin: germline.

NM_001018113.3(FANCB):c.2329A>C (p.Ile777Leu)

Gene: FANCB (FA complementation group B; minus strand). Cytogenetic location: Xp22.2.
Variant type: single nucleotide variant.
Coding change: c.2329A>C on transcript NM_001018113.3 (MANE Select); coding-DNA position 2329, A replaced by C.
Protein change: p.Ile777Leu; replaces isoleucine 777 with leucine.
Molecular consequence: missense variant.
Genome position (GRCh38, 1-based): chrX:14,843,818, T>G on the plus strand (A>C on the coding strand, the complement: FANCB is on the minus strand). VCF-style: chrX-14843818-T-G. GRCh37 (hg19) VCF-style: chrX-14861940-T-G.
Other names: c.2329A>C, p.Ile777Leu (NM_001324162.2, NM_001410764.1, NM_152633.4); short protein forms I777L.
Identifiers: ClinVar variation 3598116 (VCV003598116.2).